The following is an entry in ClinVar:

NM_001365951.3(KIF1B):c.902C>T (p.Thr301Ile)

Gene: KIF1B (kinesin family member 1B; plus strand). Cytogenetic location: 1p36.22.
Variant type: single nucleotide variant.
Coding change: c.902C>T on transcript NM_001365951.3 (MANE Select); coding-DNA position 902, C replaced by T.
Protein change: p.Thr301Ile; replaces threonine 301 with isoleucine.
Molecular consequence: missense variant.
Genome position (GRCh38, 1-based): chr1:10,275,447, C>T. VCF-style: chr1-10275447-C-T. GRCh37 (hg19) VCF-style: chr1-10335505-C-T.
Other names: c.902C>T, p.Thr301Ile (NM_001365952.1); c.884C>T, p.Thr295Ile (NM_001365953.1, NM_015074.3, NM_183416.4); short protein forms T301I, T295I.
Identifiers: ClinVar variation 3864078 (VCV003864078.1).

ClinVar aggregate classification (germline): Uncertain significance (1 of 4 stars; one submission).

Submission:

Ambry Genetics
Classification: Uncertain significance. Last evaluated: 2025-01-20. Review status: criteria provided, single submitter. Criteria: Ambry Variant Classification Scheme 2023. Collection method: clinical testing. Allele origin: germline.
Comment: The p.T295I variant (also known as c.884C>T), located in coding exon 9 of the KIF1B gene, results from a C to T substitution at nucleotide position 884. The threonine at codon 295 is replaced by isoleucine, an amino acid with similar properties. This amino acid position is conserved. In addition, the in silico prediction for this alteration is inconclusive. Based on the available evidence, the clinical significance of this variant remains unclear.